The following is an entry in ClinVar:

NM_000535.7(PMS2):c.683G>A (p.Gly228Asp)

Gene: PMS2 (PMS1 homolog 2, mismatch repair system component; minus strand). Cytogenetic location: 7p22.1.
Variant type: single nucleotide variant.
Coding change: c.683G>A on transcript NM_000535.7 (MANE Select); coding-DNA position 683, G replaced by A.
Protein change: p.Gly228Asp; replaces glycine 228 with aspartic acid.
Molecular consequence: missense variant. On other transcripts: 5 prime UTR variant (2), non-coding transcript variant (1), intron variant (1).
Genome position (GRCh38, 1-based): chr7:5,999,130, C>T on the plus strand (G>A on the coding strand, the complement: PMS2 is on the minus strand). VCF-style: chr7-5999130-C-T. GRCh37 (hg19) VCF-style: chr7-6038761-C-T.
Other names: c.278G>A, p.Gly93Asp (NM_001018040.1, NM_001322003.2, NM_001322004.2 and 20 more transcripts); c.683G>A, p.Gly228Asp (NM_001322006.2, NM_001322014.2, NM_001406870.1 and 4 more transcripts); c.365G>A, p.Gly122Asp (NM_001322007.2, NM_001322008.2, NM_001406876.1 and 4 more transcripts); c.-251G>A (NM_001322011.2, NM_001322012.2); c.374G>A, p.Gly125Asp (NM_001322015.2, NM_001406875.1, NM_001406877.1 and 6 more transcripts); c.869G>A, p.Gly290Asp (NM_001406866.1); c.707G>A, p.Gly236Asp (NM_001406868.1); c.347G>A, p.Gly116Asp (NM_001406885.1); and 1 more; short protein forms G122D, G93D, G116D, G125D, G228D, G236D, G290D.
Identifiers: ClinVar variation 1755730 (VCV001755730.2), dbSNP rs1554302319, ClinGen allele CA366743853.

ClinVar aggregate classification (germline): Uncertain significance (1 of 4 stars; one submission).

Conditions:
Hereditary cancer-predisposing syndrome. Also called: Neoplastic Syndromes, Hereditary; Tumor predisposition; Hereditary Cancer Syndrome; Hereditary neoplastic syndrome. Identifiers: Orphanet 140162, MedGen C0027672, MeSH D009386, MONDO:0015356.

Allele frequency attached by ClinVar (database versions not stated): gnomAD exomes below 0.00001.
gnomAD v4.1: 1 of 1,614,086 alleles (0.000062%); highest among the groups gnomAD compares: Non-Finnish European, 0.000085%; no homozygotes.

Submission:

Ambry Genetics
Classification: Uncertain significance for Hereditary cancer-predisposing syndrome. Last evaluated: 2019-11-01. Review status: criteria provided, single submitter. Criteria: Ambry Variant Classification Scheme 2023. Collection method: clinical testing. Allele origin: germline.
Comment: The p.G228D variant (also known as c.683G>A), located in coding exon 6 of the PMS2 gene, results from a G to A substitution at nucleotide position 683. The glycine at codon 228 is replaced by aspartic acid, an amino acid with similar properties. This amino acid position is well conserved in available vertebrate species. In addition, this alteration is predicted to be deleterious by in silico analysis. Since supporting evidence is limited at this time, the clinical significance of this alteration remains unclear.